The following is an entry in ClinVar:

ClinVar aggregate classification (germline): Pathogenic (1 of 4 stars; one submission).

Conditions:
Ataxia-telangiectasia syndrome (AT). Also called: LOUIS-BAR SYNDROME; Cerebello-oculocutaneous telangiectasia; Immunodeficiency with ataxia telangiectasia; AT, COMPLEMENTATION GROUP C; Ataxia-telangiectasia, complementation group D; ATAXIA-TELANGIECTASIA, COMPLEMENTATION GROUP A. Identifiers: Orphanet 100, MedGen C0004135, MONDO:0008840, OMIM 208900.

Submission:

Labcorp Genetics (formerly Invitae), Labcorp
Classification: Pathogenic for Ataxia-telangiectasia syndrome. Last evaluated: 2023-11-16. Review status: criteria provided, single submitter. Criteria: Invitae Variant Classification Sherloc (09022015). Collection method: clinical testing. Allele origin: unknown.
Comment: This variant results in the deletion of part of exon 3 and part of exon 4 (c.109_218del) of the ATM gene. This deletion is out-of-frame, and is expected to create a premature termination codon and result in an absent or disrupted protein product. Loss-of-function variants in ATM are known to be pathogenic (PMID: 23807571, 25614872). This variant has not been reported in the literature in individuals affected with ATM-related conditions. For these reasons, this variant has been classified as Pathogenic.

Literature cited by the submitters: PubMed 23807571; PubMed 25614872.

NC_000011.9:g.(?_108098539)_(108099937_?)del

Gene: ATM (ATM serine/threonine kinase; plus strand). Cytogenetic location: 11q22.3.
Variant type: Deletion.
Identifiers: ClinVar variation 3244513 (VCV003244513.1).